The following is an entry in ClinVar:

ClinVar aggregate classification (germline): Pathogenic (1 of 4 stars; one submission).

Conditions:
Polycystic kidney disease, adult type (PKD1). Also called: Polycystic Kidney, Autosomal Dominant; POLYCYSTIC KIDNEY DISEASE, ADULT, TYPE I; Polycystic Kidney Disease 1, Autosomal Dominant; Polycystic kidney disease 1; Polycystic kidney disease 1, severe; POLYCYSTIC KIDNEY DISEASE 1 WITH OR WITHOUT POLYCYSTIC LIVER DISEASE. Identifiers: MedGen C3149841, MONDO:0008263, OMIM 173900.

Submission:

Women's Health and Genetics/Laboratory Corporation of America, LabCorp
Classification: Pathogenic for Polycystic kidney disease, adult type. Last evaluated: 2025-07-07. Review status: criteria provided, single submitter. Criteria: LabCorp Variant Classification Summary - May 2015. Collection method: clinical testing. Allele origin: germline.
Comment: Variant summary: PKD1 c.11157delG (p.Ser3720LeufsX106) results in a premature termination codon, predicted to cause a truncation of the encoded protein or absence of the protein due to nonsense mediated decay, which are commonly known mechanisms for disease. Several computational tools predict a significant impact on normal splicing: Two predict the variant abolishes a 3' acceptor site. Three predict the variant abolishes a cryptic 5' donor site. However, these predictions have yet to be confirmed by functional studies. The variant was absent in 233156 control chromosomes. To our knowledge, no occurrence of c.11157delG in individuals affected with Polycystic Kidney Disease 1 and no experimental evidence demonstrating its impact on protein function have been reported. No submitters have cited clinical-significance assessments for this variant to ClinVar. Based on the evidence outlined above, the variant was classified as pathogenic.

NM_001009944.3(PKD1):c.11157delG

Genes: PKD1 (polycystin 1, transient receptor potential channel interacting; minus strand), PKD1-AS1 (PKD1 antisense RNA 1; plus strand). Cytogenetic location: 16p13.3.
Variant type: Deletion.
Coding change: c.11157delG on transcript NM_001009944.3 (MANE Select); coding-DNA position 11157, one base deleted (G).
Molecular consequence: splice acceptor variant.
Genome position (GRCh38, 1-based): chr16:2,092,592, C deleted on the plus strand (G on the coding strand, the reverse complement: PKD1 is on the minus strand); the first of 2 consecutive C bases (chr16:2,092,592-2,092,593); deleting either gives the same sequence. VCF-style (leftmost placement, unchanged base first): chr16-2092591-AC-A. GRCh37 (hg19) VCF-style: chr16-2142592-AC-A.
Identifiers: ClinVar variation 4526119 (VCV004526119.1).